The following is an entry in ClinVar:

ClinVar aggregate classification (germline): Conflicting classifications of pathogenicity. Review status: criteria provided, conflicting classifications (1 of 4 stars). 3 submissions from 3 submitters: Uncertain significance (1); Likely benign (2). Last evaluated 2025-09-17.

Conditions:
Inborn genetic diseases. Identifiers: MedGen C0950123, MeSH D030342.
Episodic ataxia type 2 (EA2). Also called: ACETAZOLAMIDE-RESPONSIVE HEREDITARY PAROXYSMAL CEREBELLAR ATAXIA; CEREBELLAR ATAXIA, PAROXYSMAL, ACETAZOLAMIDE-RESPONSIVE; CEREBELLOPATHY, HEREDITARY PAROXYSMAL; EPISODIC ATAXIA, NYSTAGMUS-ASSOCIATED; ATAXIA, EPISODIC, WITH NYSTAGMUS; ATAXIA, FAMILIAL PAROXYSMAL. Identifiers: Orphanet 97, MedGen C1720416, MONDO:0007163, OMIM 108500.
Developmental and epileptic encephalopathy, 42 (DEE42A). Also called: DEVELOPMENTAL AND EPILEPTIC ENCEPHALOPATHY 42A; EPILEPTIC ENCEPHALOPATHY, EARLY INFANTILE, 42A; Epileptic encephalopathy, early infantile, 42. Identifiers: MedGen C4310716, MONDO:0014917, OMIM 617106.

Allele frequency attached by ClinVar (database versions not stated): TOPMed 0.00003; gnomAD exomes 0.00004; gnomAD 0.00005 and 0.00006; ExAC 0.00009.
gnomAD v4.1: 69 of 1,542,894 alleles (0.0045%); highest among the groups gnomAD compares: Non-Finnish European, 0.0059%; no homozygotes.

Submissions (3):

Labcorp Genetics (formerly Invitae), Labcorp
Classification: Likely benign for Developmental and epileptic encephalopathy, 42; Episodic ataxia type 2. Last evaluated: 2025-09-17. Review status: criteria provided, single submitter. Criteria: Invitae Variant Classification Sherloc (09022015). Collection method: clinical testing. Allele origin: germline.

Ambry Genetics
Classification: Likely benign for Inborn genetic diseases. Last evaluated: 2024-01-16. Review status: criteria provided, single submitter. Criteria: Ambry Variant Classification Scheme 2023. Collection method: clinical testing. Allele origin: germline.

Mayo Clinic Laboratories, Mayo Clinic
Classification: Uncertain significance. Last evaluated: 2022-02-25. Review status: criteria provided, single submitter. Criteria: ACMG Guidelines, 2015. Collection method: clinical testing. Allele origin: germline. Observed: 1 variant allele.
Comment: BS2

NM_001127222.2(CACNA1A):c.3053G>C (p.Arg1018Pro)

Gene: CACNA1A (calcium voltage-gated channel subunit alpha1 A; minus strand). Cytogenetic location: 19p13.13.
Variant type: single nucleotide variant.
Coding change: c.3053G>C on transcript NM_001127222.2 (MANE Select); coding-DNA position 3053, G replaced by C.
Protein change: p.Arg1018Pro; replaces arginine 1018 with proline.
Molecular consequence: missense variant.
Genome position (GRCh38, 1-based): chr19:13,298,580, C>G on the plus strand (G>C on the coding strand, the complement: CACNA1A is on the minus strand). VCF-style: chr19-13298580-C-G. GRCh37 (hg19) VCF-style: chr19-13409394-C-G.
Other names: p.Arg1019Pro; c.3065G>C, p.Arg1022Pro (NM_000068.4, NM_023035.3); c.3056G>C, p.Arg1019Pro (NM_001127221.2, NM_001174080.2); short protein forms R1019P, R1018P, R1022P.
Identifiers: ClinVar variation 579310 (VCV000579310.12), dbSNP rs762288499, ClinGen allele CA9240433.